The following is an entry in ClinVar:

NC_000011.9:g.(?_101918202)_(102076825_?)del

Genes: CFAP300 (cilia and flagella associated protein 300; plus strand), YAP1 (Yes1 associated transcriptional regulator; plus strand). Cytogenetic location: 11q22.1.
Variant type: Deletion.
Identifiers: ClinVar variation 3244740 (VCV003244740.1).

ClinVar aggregate classification (germline): Uncertain significance (1 of 4 stars; one submission).

Submission:

Labcorp Genetics (formerly Invitae), Labcorp
Classification: Uncertain significance. Last evaluated: 2022-12-14. Review status: criteria provided, single submitter. Criteria: Invitae Variant Classification Sherloc (09022015). Collection method: clinical testing. Allele origin: unknown.
Comment: In summary, the available evidence is currently insufficient to determine the role of this variant in disease. Therefore, it has been classified as a Variant of Uncertain Significance. Experimental studies and prediction algorithms are not available or were not evaluated, and the functional significance of this variant is currently unknown. This variant has not been reported in the literature in individuals affected with YAP1-related conditions. This variant is a gross deletion of the genomic region encompassing exon(s) 1-5 of the YAP1 gene, which includes the initiator codon. This deletion extends beyond the assayed region for this gene and therefore may encompass additional genes. It is expected to result in an absent or disrupted protein product. However, the current clinical and genetic evidence is not sufficient to establish whether loss-of-function variants in YAP1 cause disease.